The following is an entry in ClinVar:

NM_005732.4(RAD50):c.887T>C (p.Val296Ala)

Gene: RAD50 (RAD50 double strand break repair protein; plus strand). Cytogenetic location: 5q31.1.
Variant type: single nucleotide variant.
Coding change: c.887T>C on transcript NM_005732.4 (MANE Select); coding-DNA position 887, T replaced by C.
Protein change: p.Val296Ala; replaces valine 296 with alanine.
Molecular consequence: missense variant.
Genome position (GRCh38, 1-based): chr5:132,587,925, T>C. VCF-style: chr5-132587925-T-C. GRCh37 (hg19) VCF-style: chr5-131923617-T-C.
Other names: short protein forms V296A.
Identifiers: ClinVar variation 822794 (VCV000822794.14), dbSNP rs1580992082, ClinGen allele CA360940724.

ClinVar aggregate classification (germline): Uncertain significance. Review status: criteria provided, multiple submitters, no conflicts (2 of 4 stars). 3 submissions from 3 submitters: Uncertain significance (3). Last evaluated 2026-07-06.

Conditions:
Breast-ovarian cancer, familial, susceptibility to, 2 (BROVCA2). Also called: BRCA2 Hereditary Breast and Ovarian Cancer. Identifiers: Orphanet 145, MedGen C2675520, MONDO:0012933, OMIM 612555. Disease mechanism: loss of function.
Hereditary cancer-predisposing syndrome. Also called: Tumor predisposition; Hereditary Cancer Syndrome; Hereditary neoplastic syndrome; Neoplastic Syndromes, Hereditary. Identifiers: Orphanet 140162, MedGen C0027672, MeSH D009386, MONDO:0015356.

Submissions (3):

KCCC/NGS Laboratory, Kuwait Cancer Control Center
Classification: Uncertain significance for Breast-ovarian cancer, familial, susceptibility to, 2. Last evaluated: 2026-07-06. Review status: criteria provided, single submitter. Criteria: ACMG Guidelines, 2015. Collection method: clinical testing. Allele origin: germline. Inheritance: Autosomal dominant inheritance. Affected: yes.
Comment: A Variant of uncertain significance was detected in RAD50 gene

Ambry Genetics
Classification: Uncertain significance for Hereditary cancer-predisposing syndrome. Last evaluated: 2025-10-19. Review status: criteria provided, single submitter. Criteria: Ambry Variant Classification Scheme 2023. Collection method: clinical testing. Allele origin: germline.
Comment: The p.V296A variant (also known as c.887T>C), located in coding exon 7 of the RAD50 gene, results from a T to C substitution at nucleotide position 887. The valine at codon 296 is replaced by alanine, an amino acid with similar properties. This amino acid position is highly conserved in available vertebrate species. In addition, the in silico prediction for this alteration is inconclusive. Since supporting evidence is limited at this time, the clinical significance of this alteration remains unclear.

Labcorp Genetics (formerly Invitae), Labcorp
Classification: Uncertain significance for Hereditary cancer-predisposing syndrome. Last evaluated: 2023-04-12. Review status: criteria provided, single submitter. Criteria: Invitae Variant Classification Sherloc (09022015). Collection method: clinical testing. Allele origin: germline.
Comment: In summary, the available evidence is currently insufficient to determine the role of this variant in disease. Therefore, it has been classified as a Variant of Uncertain Significance. An algorithm developed to predict the effect of missense changes on protein structure and function (PolyPhen-2) suggests that this variant is likely to be disruptive. ClinVar contains an entry for this variant (Variation ID: 822794). This variant has not been reported in the literature in individuals affected with RAD50-related conditions. This variant is not present in population databases (gnomAD no frequency). This sequence change replaces valine, which is neutral and non-polar, with alanine, which is neutral and non-polar, at codon 296 of the RAD50 protein (p.Val296Ala).